The following is an entry in ClinVar:

NM_144701.3(IL23R):c.1412A>G (p.Asn471Ser)

Gene: IL23R (interleukin 23 receptor; plus strand). Cytogenetic location: 1p31.3.
Variant type: single nucleotide variant.
Coding change: c.1412A>G on transcript NM_144701.3 (MANE Select); coding-DNA position 1412, A replaced by G.
Protein change: p.Asn471Ser; replaces asparagine 471 with serine.
Molecular consequence: missense variant.
Genome position (GRCh38, 1-based): chr1:67,258,650, A>G. VCF-style: chr1-67258650-A-G. GRCh37 (hg19) VCF-style: chr1-67724333-A-G.
Other names: c.1412A>G (NM_144701.2); short protein forms N471S.
Identifiers: ClinVar variation 1047510 (VCV001047510.11), dbSNP rs758022455, ClinGen allele CA900015.
Genomic context (GRCh38, chr1:67,258,650, plus strand): 5'-AGAAGGAGAATACAGGACCCCTGGAGACAAGAGACTACCCGCAAAACTCGCTATTCGACA[A>G]TACTACAGTTGTATATATTCCTGATCTCAACACTGGATATAAACCCCAAATTTCAAATTT-3'
Protein context (NP_653302.2, residues 461-481): RDYPQNSLFD[Asn471Ser]TTVVYIPDLN

ClinVar aggregate classification (germline): Conflicting classifications of pathogenicity. Review status: criteria provided, conflicting classifications (1 of 4 stars). 2 submissions from 2 submitters: Uncertain significance (1); Likely benign (1). Last evaluated 2025-09-21.

Allele frequency attached by ClinVar (database versions not stated): TOPMed 0.00001; gnomAD exomes 0.00002; ExAC 0.00003.
gnomAD v4.1: 11 of 1,614,024 alleles (0.00068%); highest among the groups gnomAD compares: Admixed American, 0.0033%; no homozygotes.

Submissions (2):

Ambry Genetics
Classification: Likely benign. Last evaluated: 2025-09-21. Review status: criteria provided, single submitter. Criteria: Ambry Variant Classification Scheme 2023. Collection method: clinical testing. Allele origin: germline.

Labcorp Genetics (formerly Invitae), Labcorp
Classification: Uncertain significance. Last evaluated: 2025-09-15. Review status: criteria provided, single submitter. Criteria: Invitae Variant Classification Sherloc (09022015). Collection method: clinical testing. Allele origin: germline.
Comment: This sequence change replaces asparagine, which is neutral and polar, with serine, which is neutral and polar, at codon 471 of the IL23R protein (p.Asn471Ser). This variant is present in population databases (rs758022455, gnomAD 0.02%). This variant has not been reported in the literature in individuals affected with IL23R-related conditions. ClinVar contains an entry for this variant (Variation ID: 1047510). An algorithm developed to predict the effect of missense changes on protein structure and function outputs the following: PolyPhen-2: "Benign". The serine amino acid residue is found in multiple mammalian species, which suggests that this missense change does not adversely affect protein function. In summary, the available evidence is currently insufficient to determine the role of this variant in disease. Therefore, it has been classified as a Variant of Uncertain Significance.